The following is an entry in ClinVar:

NM_033337.3(CAV3):c.*788C>A

Genes: CAV3 (caveolin 3; plus strand), OXTR (oxytocin receptor; minus strand). Cytogenetic location: 3p25.3.
Variant type: single nucleotide variant.
Coding change: c.*788C>A on transcript NM_033337.3 (MANE Select); 788 bases downstream of the stop codon, C replaced by A.
Molecular consequence: 3 prime UTR variant.
Genome position (GRCh38, 1-based): chr3:8,746,655, C>A. VCF-style: chr3-8746655-C-A. GRCh37 (hg19) VCF-style: chr3-8788341-C-A.
Other names: c.*692C>A (NM_001234.5).
Identifiers: ClinVar variation 346859 (VCV000346859.6), dbSNP rs181285740, ClinGen allele CA10619713.
Genomic context (GRCh38, chr3:8,746,655, plus strand): 5'-GTTCAAGCCTCCCGGAACCTCCCCTTTGGCTAACCGAGCCCCTGAAATGCCCAGTACTGC[C>A]ATTTGACATGAGGGTACCTTCGCCCTCAGGAGATGTGACGAAGGAACAAGGTCTAATTTG-3'

ClinVar aggregate classification (germline): Benign (1 of 4 stars; one submission).

Conditions:
Caveolinopathy. Identifiers: Orphanet 207078, MedGen C5679790, MONDO:0016146.

Allele frequency attached by ClinVar (database versions not stated): 1000 Genomes Project 0.00100; 1000 Genomes Project 30x 0.00125; TOPMed 0.00236; gnomAD 0.00251 and 0.00260.

Submission:

Illumina Laboratory Services, Illumina
Classification: Benign for Caveolinopathy. Last evaluated: 2018-01-13. Review status: criteria provided, single submitter. Criteria: ICSL Variant Classification Criteria 13 December 2019. Collection method: clinical testing. Allele origin: germline.
Comment: This variant was observed in the ICSL laboratory as part of a predisposition screen in an ostensibly healthy population. It had not been previously curated by ICSL or reported in the Human Gene Mutation Database (HGMD: prior to June 1st, 2018), and was therefore a candidate for classification through an automated scoring system. Utilizing variant allele frequency, disease prevalence and penetrance estimates, and inheritance mode, an automated score was calculated to assess if this variant is too frequent to cause the disease. Based on the score and internal cut-off values, a variant classified as benign is not then subjected to further curation. The score for this variant resulted in a classification of benign for this disease.